The following is an entry in ClinVar:

ClinVar aggregate classification (germline): Uncertain significance (1 of 4 stars; one submission).

Conditions:
Dilated cardiomyopathy 1DD (CMD1DD). Identifiers: Orphanet 154, MedGen C2750995, MONDO:0013168, OMIM 613172.

Submission:

Labcorp Genetics (formerly Invitae), Labcorp
Classification: Uncertain significance for Dilated cardiomyopathy 1DD. Last evaluated: 2022-08-27. Review status: criteria provided, single submitter. Criteria: Invitae Variant Classification Sherloc (09022015). Collection method: clinical testing. Allele origin: germline.
Comment: This variant is not present in population databases (gnomAD no frequency). In summary, the available evidence is currently insufficient to determine the role of this variant in disease. Therefore, it has been classified as a Variant of Uncertain Significance. Advanced modeling of protein sequence and biophysical properties (such as structural, functional, and spatial information, amino acid conservation, physicochemical variation, residue mobility, and thermodynamic stability) performed at Invitae indicates that this missense variant is not expected to disrupt RBM20 protein function. This variant has not been reported in the literature in individuals affected with RBM20-related conditions. This sequence change replaces glycine, which is neutral and non-polar, with cysteine, which is neutral and slightly polar, at codon 246 of the RBM20 protein (p.Gly246Cys).

NM_001134363.3(RBM20):c.736G>T (p.Gly246Cys)

Gene: RBM20 (RNA binding motif protein 20; plus strand). Cytogenetic location: 10q25.2.
Variant type: single nucleotide variant.
Coding change: c.736G>T on transcript NM_001134363.3 (MANE Select); coding-DNA position 736, G replaced by T.
Protein change: p.Gly246Cys; replaces glycine 246 with cysteine.
Molecular consequence: missense variant.
Genome position (GRCh38, 1-based): chr10:110,781,345, G>T. VCF-style: chr10-110781345-G-T. GRCh37 (hg19) VCF-style: chr10-112541103-G-T.
Other names: short protein forms G246C.
Identifiers: ClinVar variation 1718105 (VCV001718105.5), dbSNP rs2493411477, ClinGen allele CA378382792.